The following is an entry in ClinVar:

ClinVar aggregate classification (germline): Uncertain significance (1 of 4 stars; one submission).

Conditions:
Schuurs-Hoeijmakers syndrome. Also called: PACS1-Related Neurodevelopmental Disorder. Identifiers: Orphanet 329224, MedGen C3554343, MONDO:0014006, OMIM 615009.

Submission:

Labcorp Genetics (formerly Invitae), Labcorp
Classification: Uncertain significance for Schuurs-Hoeijmakers syndrome. Last evaluated: 2025-05-22. Review status: criteria provided, single submitter. Criteria: Invitae Variant Classification Sherloc (09022015). Collection method: clinical testing. Allele origin: germline.
Comment: This sequence change replaces glycine, which is neutral and non-polar, with arginine, which is basic and polar, at codon 765 of the PACS1 protein (p.Gly765Arg). This variant also falls at the last nucleotide of exon 20, which is part of the consensus splice site for this exon. This variant is not present in population databases (gnomAD no frequency). This variant has not been reported in the literature in individuals affected with PACS1-related conditions. An algorithm developed to predict the effect of missense changes on protein structure and function (PolyPhen-2) suggests that this variant is likely to be disruptive. Variants that disrupt the consensus splice site are a relatively common cause of aberrant splicing (PMID: 17576681, 9536098). Algorithms developed to predict the effect of sequence changes on RNA splicing suggest that this variant may disrupt the consensus splice site. In summary, the available evidence is currently insufficient to determine the role of this variant in disease. Therefore, it has been classified as a Variant of Uncertain Significance.

Literature cited by the submitters: PubMed 17576681; PubMed 9536098.

NM_018026.4(PACS1):c.2293G>C (p.Gly765Arg)

Gene: PACS1 (phosphofurin acidic cluster sorting protein 1; plus strand). Cytogenetic location: 11q13.2.
Variant type: single nucleotide variant.
Coding change: c.2293G>C on transcript NM_018026.4 (MANE Select); coding-DNA position 2293, G replaced by C.
Protein change: p.Gly765Arg; replaces glycine 765 with arginine.
Molecular consequence: missense variant.
Genome position (GRCh38, 1-based): chr11:66,238,846, G>C. VCF-style: chr11-66238846-G-C. GRCh37 (hg19) VCF-style: chr11-66006317-G-C.
Other names: short protein forms G765R.
Identifiers: ClinVar variation 4719994 (VCV004719994.1).